The following is an entry in ClinVar:

ClinVar aggregate classification (germline): Uncertain significance (1 of 4 stars; one submission).

Conditions:
Leber congenital amaurosis 13 (LCA13). Identifiers: MedGen C2675186, MONDO:0012990, OMIM 612712.

Allele frequency attached by ClinVar (database versions not stated): gnomAD exomes below 0.00001.
gnomAD v4.1: 1 of 1,600,866 alleles (0.000062%); highest among the groups gnomAD compares: Non-Finnish European, 0.000085%; no homozygotes.

Submission:

Labcorp Genetics (formerly Invitae), Labcorp
Classification: Uncertain significance for Leber congenital amaurosis 13. Last evaluated: 2021-08-15. Review status: criteria provided, single submitter. Criteria: Invitae Variant Classification Sherloc (09022015). Collection method: clinical testing. Allele origin: germline.
Comment: This variant has not been reported in the literature in individuals affected with RDH12-related conditions. Algorithms developed to predict the effect of missense changes on protein structure and function (SIFT, PolyPhen-2, Align-GVGD) all suggest that this variant is likely to be disruptive. In summary, the available evidence is currently insufficient to determine the role of this variant in disease. Therefore, it has been classified as a Variant of Uncertain Significance. This variant is not present in population databases (ExAC no frequency). This sequence change replaces glycine with alanine at codon 261 of the RDH12 protein (p.Gly261Ala). The glycine residue is highly conserved and there is a small physicochemical difference between glycine and alanine.

NM_152443.3(RDH12):c.782G>C (p.Gly261Ala)

Genes: RDH12 (retinol dehydrogenase 12; plus strand), ZFYVE26 (zinc finger FYVE-type containing 26; minus strand), GPHN (gephyrin; plus strand). Cytogenetic location: 14q24.1.
Variant type: single nucleotide variant.
Coding change: c.782G>C on transcript NM_152443.3 (MANE Select); coding-DNA position 782, G replaced by C.
Protein change: p.Gly261Ala; replaces glycine 261 with alanine.
Molecular consequence: missense variant.
Genome position (GRCh38, 1-based): chr14:67,729,314, G>C. VCF-style: chr14-67729314-G-C. GRCh37 (hg19) VCF-style: chr14-68196031-G-C.
Other names: short protein forms G261A.
Identifiers: ClinVar variation 1375147 (VCV001375147.6), dbSNP rs2140150922, ClinGen allele CA390153122.